The following is an entry in ClinVar:

ClinVar aggregate classification (germline): Uncertain significance. Review status: criteria provided, multiple submitters, no conflicts (2 of 4 stars). 2 submissions from 2 submitters: Uncertain significance (2). Last evaluated 2025-03-25.

Conditions:
Cardiovascular phenotype. Identifiers: MedGen CN230736.

Allele frequency attached by ClinVar (database versions not stated): gnomAD exomes 0.00001; ExAC 0.00002.
gnomAD v4.1: 2 of 1,614,136 alleles (0.00012%); highest among the groups gnomAD compares: African/African-American, 0.0027%; no homozygotes.

Submissions (2):

Ambry Genetics
Classification: Uncertain significance for Cardiovascular phenotype. Last evaluated: 2025-03-25. Review status: criteria provided, single submitter. Criteria: Ambry Variant Classification Scheme 2023. Collection method: clinical testing. Allele origin: germline.
Comment: The p.D1691Y variant (also known as c.5071G>T), located in coding exon 27 of the SCN10A gene, results from a G to T substitution at nucleotide position 5071. The aspartic acid at codon 1691 is replaced by tyrosine, an amino acid with highly dissimilar properties. This amino acid position is poorly conserved in available vertebrate species. In addition, the in silico prediction for this alteration is inconclusive. Since supporting evidence is limited at this time, the clinical significance of this alteration remains unclear.

GeneDx
Classification: Uncertain significance. Last evaluated: 2021-06-22. Review status: criteria provided, single submitter. Criteria: GeneDx Variant Classification Process June 2021. Collection method: clinical testing. Allele origin: germline. Affected: yes.
Comment: Has not been previously published as pathogenic or benign to our knowledge; Not observed at significant frequency in large population cohorts (Lek et al., 2016); In silico analysis supports that this missense variant has a deleterious effect on protein structure/function; This variant is associated with the following publications: (PMID: 27535533)

NM_006514.4(SCN10A):c.5071G>T (p.Asp1691Tyr)

Gene: SCN10A (sodium voltage-gated channel alpha subunit 10; minus strand). Cytogenetic location: 3p22.2.
Variant type: single nucleotide variant.
Coding change: c.5071G>T on transcript NM_006514.4 (MANE Select); coding-DNA position 5071, G replaced by T.
Protein change: p.Asp1691Tyr; replaces aspartic acid 1691 with tyrosine.
Molecular consequence: missense variant.
Genome position (GRCh38, 1-based): chr3:38,698,149, C>A on the plus strand (G>T on the coding strand, the complement: SCN10A is on the minus strand). VCF-style: chr3-38698149-C-A. GRCh37 (hg19) VCF-style: chr3-38739640-C-A.
Other names: c.5068G>T, p.Asp1690Tyr (NM_001293306.2); c.4777G>T, p.Asp1593Tyr (NM_001293307.2); short protein forms D1593Y, D1690Y, D1691Y.
Identifiers: ClinVar variation 1193171 (VCV001193171.6), dbSNP rs774106005, ClinGen allele CA2319743.